The following is an entry in ClinVar:

NM_001044.5(SLC6A3):c.765C>T (p.Leu255=)

Gene: SLC6A3 (solute carrier family 6 member 3). Cytogenetic location: 5p15.33.
Variant type: single nucleotide variant.
Coding change: c.765C>T on transcript NM_001044.5 (MANE Select); coding-DNA position 765, C replaced by T.
Protein change: p.Leu255=; no amino-acid change (leucine 255 retained).
Molecular consequence: synonymous variant.
Genome position (GRCh38, 1-based): chr5:1,421,903, G>A on the plus strand (C>T on the coding strand, the complement: SLC6A3 is on the minus strand). VCF-style: chr5-1421903-G-A. GRCh37 (hg19) VCF-style: chr5-1422018-G-A.
Identifiers: ClinVar variation 3778352 (VCV003778352.7).

ClinVar aggregate classification (germline): Likely benign (1 of 4 stars; one submission).

Submission:

CeGaT Center for Human Genetics Tuebingen
Classification: Likely benign. Last evaluated: 2025-03-01. Review status: criteria provided, single submitter. Criteria: CeGaT Center For Human Genetics Tuebingen Variant Classification Criteria Version 2. Collection method: clinical testing. Allele origin: germline. Affected: yes. Observed: 1 variant allele.
Comment: SLC6A3: PM2:Supporting, BP4, BP7